The following is an entry in ClinVar:

ClinVar aggregate classification (germline): Likely benign. Review status: criteria provided, multiple submitters, no conflicts (2 of 4 stars). 4 submissions from 4 submitters: Likely benign (3). 1 of the submissions does not count toward it. Last evaluated 2024-06-11.

Conditions:
NBEAL2-related disorder. Also called: NBEAL2-related condition.

Allele frequency attached by ClinVar (database versions not stated): gnomAD exomes 0.00020; ExAC 0.00022; ESP Exome Variant Server 0.00055; 1000 Genomes Project 30x 0.00062; 1000 Genomes Project 0.00080; gnomAD 0.00085 and 0.00097; TOPMed 0.00109.
gnomAD v4.1: 244 of 1,613,758 alleles (0.015%); highest among the groups gnomAD compares: African/African-American, 0.29%; no homozygotes.

Submissions (4):

Mayo Clinic Laboratories, Mayo Clinic
Classification: Likely benign. Last evaluated: 2024-06-11. Review status: criteria provided, single submitter. Criteria: ACMG Guidelines, 2015. Collection method: clinical testing. Allele origin: germline. Observed: 2 variant alleles.
Comment: BS1, BP4, BP7

Blueprint Genetics
Classification: Likely benign. Last evaluated: 2024-06-10. Review status: criteria provided, single submitter. Criteria: ACMG Guidelines, 2015. Collection method: clinical testing. Allele origin: germline.

Genetic Services Laboratory, University of Chicago
Classification: Likely benign. Last evaluated: 2018-10-30. Review status: criteria provided, single submitter. Criteria: ACMG Guidelines, 2015. Collection method: clinical testing. Allele origin: germline. Affected: no.

PreventionGenetics, part of Exact Sciences
Classification: Likely benign for NBEAL2-related condition. Last evaluated: 2019-06-11. Review status: no assertion criteria provided. Collection method: clinical testing. Allele origin: germline. Not counted in ClinVar's aggregate classification.
Comment: This variant is classified as likely benign based on ACMG/AMP sequence variant interpretation guidelines (Richards et al. 2015 PMID: 25741868, with internal and published modifications).

NM_015175.3(NBEAL2):c.6267C>G (p.Thr2089=)

Gene: NBEAL2 (neurobeachin like 2; plus strand). Cytogenetic location: 3p21.31.
Variant type: single nucleotide variant.
Coding change: c.6267C>G on transcript NM_015175.3 (MANE Select); coding-DNA position 6267, C replaced by G.
Protein change: p.Thr2089=; no amino-acid change (threonine 2089 retained).
Molecular consequence: synonymous variant.
Genome position (GRCh38, 1-based): chr3:47,004,563, C>G. VCF-style: chr3-47004563-C-G. GRCh37 (hg19) VCF-style: chr3-47046053-C-G.
Other names: p.Thr2089=; c.6165C>G, p.Thr2055= (NM_001365116.2).
Identifiers: ClinVar variation 1336895 (VCV001336895.8), dbSNP rs111945488, ClinGen allele CA2361809.